The following is an entry in ClinVar:

ClinVar aggregate classification (germline): Likely benign (1 of 4 stars; one submission).

Submission:

CeGaT Center for Human Genetics Tuebingen
Classification: Likely benign. Last evaluated: 2025-01-01. Review status: criteria provided, single submitter. Criteria: CeGaT Center For Human Genetics Tuebingen Variant Classification Criteria Version 2. Collection method: clinical testing. Allele origin: germline. Affected: yes. Observed: 1 variant allele.
Comment: NOTCH1: PM2:Supporting, BP4, BP7

NM_017617.5(NOTCH1):c.4954C>T (p.Leu1652=)

Gene: NOTCH1 (notch receptor 1; minus strand). Cytogenetic location: 9q34.3.
Variant type: single nucleotide variant.
Coding change: c.4954C>T on transcript NM_017617.5 (MANE Select); coding-DNA position 4954, C replaced by T.
Protein change: p.Leu1652=; no amino-acid change (leucine 1652 retained).
Molecular consequence: synonymous variant.
Genome position (GRCh38, 1-based): chr9:136,504,737, G>A on the plus strand (C>T on the coding strand, the complement: NOTCH1 is on the minus strand). VCF-style: chr9-136504737-G-A. GRCh37 (hg19) VCF-style: chr9-139399189-G-A.
Identifiers: ClinVar variation 3772322 (VCV003772322.13).